The following is an entry in ClinVar:

ClinVar aggregate classification (germline): Pathogenic (1 of 4 stars; one submission).

Conditions:
Neuronal ceroid lipofuscinosis. Also called: Neuronal Ceroid Lipofuscinoses. Identifiers: Orphanet 216, Orphanet 79263, MedGen C0027877, MONDO:0016295. Disease mechanism: loss of function.

Submission:

Labcorp Genetics (formerly Invitae), Labcorp
Classification: Pathogenic for Neuronal ceroid lipofuscinosis. Last evaluated: 2020-08-29. Review status: criteria provided, single submitter. Criteria: Invitae Variant Classification Sherloc (09022015). Collection method: clinical testing. Allele origin: germline.
Comment: Loss-of-function variants in CLN5 are known to be pathogenic (PMID: 20157158). For these reasons, this variant has been classified as Pathogenic. This variant has not been reported in the literature in individuals with CLN5-related conditions. This sequence change creates a premature translational stop signal (p.Leu82Glyfs*33) in the CLN5 gene. It is expected to result in an absent or disrupted protein product. This variant is not present in population databases (ExAC no frequency).

Literature cited by the submitters: PubMed 20157158.

NM_006493.4(CLN5):c.84_96dup (p.Leu33fs)

Genes: CLN5 (CLN5 lysosomal BMP synthase; plus strand), LOC130009913 (ATAC-STARR-seq lymphoblastoid silent region 5414; plus strand). Cytogenetic location: 13q22.3.
Variant type: Duplication.
Coding change: c.84_96dup on transcript NM_006493.4 (MANE Select); coding-DNA positions 84 to 96, 13 bases duplicated (GGCCCTGGCGCTG).
Protein change: p.Leu33fs; shifts the reading frame from leucine 33.
Molecular consequence: frameshift variant.
Genome position (GRCh38, 1-based): chr13:76,992,182-76,992,194, GGCCCTGGCGCTG duplicated; duplicating any 13 consecutive bases within chr13:76,992,178-76,992,194 gives the same sequence; the c. name uses the placement nearest the transcript's 3' end. VCF-style (leftmost placement, unchanged base first): chr13-76992177-T-TGCTGGGCCCTGGC. GRCh37 (hg19) VCF-style: chr13-77566312-T-TGCTGGGCCCTGGC.
Other names: c.84_96dup, p.Leu33fs (NM_001366624.2); short protein forms L33fs.
Identifiers: ClinVar variation 1069801 (VCV001069801.9), dbSNP rs1271064370, ClinGen allele CA701020631.